The following is an entry in ClinVar:

NM_004415.4(DSP):c.8518G>A (p.Gly2840Arg)

Gene: DSP (desmoplakin; plus strand). Cytogenetic location: 6p24.3.
Variant type: single nucleotide variant.
Coding change: c.8518G>A on transcript NM_004415.4 (MANE Select); coding-DNA position 8518, G replaced by A.
Protein change: p.Gly2840Arg; replaces glycine 2840 with arginine.
Molecular consequence: missense variant.
Genome position (GRCh38, 1-based): chr6:7,585,780, G>A. VCF-style: chr6-7585780-G-A. GRCh37 (hg19) VCF-style: chr6-7586013-G-A.
Other names: c.6721G>A, p.Gly2241Arg (NM_001008844.3); c.7189G>A, p.Gly2397Arg (NM_001319034.2); short protein forms G2840R, G2241R, G2397R.
Identifiers: ClinVar variation 1763702 (VCV001763702.2), dbSNP rs758435508, ClinGen allele CA362695296.

ClinVar aggregate classification (germline): Uncertain significance (1 of 4 stars; one submission).

Conditions:
Cardiovascular phenotype. Identifiers: MedGen CN230736.

Submission:

Ambry Genetics
Classification: Uncertain significance for Cardiovascular phenotype. Last evaluated: 2022-06-19. Review status: criteria provided, single submitter. Criteria: Ambry Variant Classification Scheme 2023. Collection method: clinical testing. Allele origin: germline.
Comment: The p.G2840R variant (also known as c.8518G>A), located in coding exon 24 of the DSP gene, results from a G to A substitution at nucleotide position 8518. The glycine at codon 2840 is replaced by arginine, an amino acid with dissimilar properties. This amino acid position is conserved. In addition, the in silico prediction for this alteration is inconclusive. Since supporting evidence is limited at this time, the clinical significance of this alteration remains unclear.